The following is an entry in ClinVar:

NM_001374353.1(GLI2):c.1183-34C>T

Gene: GLI2 (GLI family zinc finger 2; plus strand). Cytogenetic location: 2q14.2.
Variant type: single nucleotide variant.
Coding change: c.1183-34C>T on transcript NM_001374353.1 (MANE Select); 34 bases into the intron before coding-DNA position 1183, C replaced by T.
Molecular consequence: intron variant. On other transcripts: synonymous variant (2).
Genome position (GRCh38, 1-based): chr2:120,974,941, C>T. VCF-style: chr2-120974941-C-T. GRCh37 (hg19) VCF-style: chr2-121732517-C-T.
Other names: c.1200C>T, p.His400= (NM_001371271.1, NM_005270.5); c.808-34C>T (NM_001374354.1).
Identifiers: ClinVar variation 4681600 (VCV004681600.5).

ClinVar aggregate classification (germline): Likely benign (1 of 4 stars; one submission).

gnomAD v4.1: 5 of 1,614,116 alleles (0.00031%); highest among the groups gnomAD compares: Admixed American, 0.0017%; no homozygotes.

Submission:

CeGaT Center for Human Genetics Tuebingen
Classification: Likely benign. Last evaluated: 2025-12-01. Review status: criteria provided, single submitter. Criteria: CeGaT Center For Human Genetics Tuebingen Variant Classification Criteria Version 2. Collection method: clinical testing. Allele origin: germline. Affected: yes. Observed: 1 variant allele.
Comment: GLI2: BP4, BP7